The following is an entry in ClinVar:

NM_138425.4(C12orf57):c.107T>C (p.Met36Thr)

Gene: C12orf57 (chromosome 12 open reading frame 57; plus strand). Cytogenetic location: 12p13.31.
Variant type: single nucleotide variant.
Coding change: c.107T>C on transcript NM_138425.4 (MANE Select); coding-DNA position 107, T replaced by C.
Protein change: p.Met36Thr; replaces methionine 36 with threonine.
Molecular consequence: missense variant. On other transcripts: initiator codon variant (1), non-coding transcript variant (1).
Genome position (GRCh38, 1-based): chr12:6,944,530, T>C. VCF-style: chr12-6944530-T-C. GRCh37 (hg19) VCF-style: chr12-7053693-T-C.
Other names: c.107T>C, p.Met36Thr (NM_001301834.1, NM_001301837.2); c.68T>C, p.Met23Thr (NM_001301836.2); c.2T>C, p.Met1Thr (NM_001301838.2); short protein forms M1T, M23T, M36T.
Identifiers: ClinVar variation 1681829 (VCV001681829.4), dbSNP rs1555146012, ClinGen allele CA383744415.

ClinVar aggregate classification (germline): Uncertain significance (1 of 4 stars; one submission).

Conditions:
Temtamy syndrome (TEMTYS). Also called: MENTAL RETARDATION WITH OR WITHOUT CRANIOFACIAL DYSMORPHISM, OCULAR COLOBOMA, OR ABNORMAL CORPUS CALLOSUM. Identifiers: Orphanet 1777, MedGen C1857512, MONDO:0009033, OMIM 218340.

Allele frequency attached by ClinVar (database versions not stated): TOPMed below 0.00001; gnomAD 0.00001; gnomAD exomes 0.00001.
gnomAD v4.1: 9 of 1,613,878 alleles (0.00056%); highest among the groups gnomAD compares: Admixed American, 0.005%; no homozygotes.

Submission:

Labcorp Genetics (formerly Invitae), Labcorp
Classification: Uncertain significance for Temtamy syndrome. Last evaluated: 2022-10-18. Review status: criteria provided, single submitter. Criteria: Invitae Variant Classification Sherloc (09022015). Collection method: clinical testing. Allele origin: germline.
Comment: This sequence change replaces methionine, which is neutral and non-polar, with threonine, which is neutral and polar, at codon 36 of the C12orf57 protein (p.Met36Thr). The frequency data for this variant in the population databases is considered unreliable, as metrics indicate poor data quality at this position in the gnomAD database. This variant has not been reported in the literature in individuals affected with C12orf57-related conditions. ClinVar contains an entry for this variant (Variation ID: 1681829). Algorithms developed to predict the effect of missense changes on protein structure and function are either unavailable or do not agree on the potential impact of this missense change (SIFT: "Deleterious"; PolyPhen-2: "Benign"; Align-GVGD: "Class C45"). In summary, the available evidence is currently insufficient to determine the role of this variant in disease. Therefore, it has been classified as a Variant of Uncertain Significance.